The following is an entry in ClinVar:

ClinVar aggregate classification (germline): Uncertain significance. Review status: criteria provided, multiple submitters, no conflicts (2 of 4 stars). 2 submissions from 2 submitters: Uncertain significance (2). Last evaluated 2024-07-24.

Conditions:
Emery-Dreifuss muscular dystrophy 5, autosomal dominant (EDMD5). Also called: EMERY-DREIFUSS MUSCULAR DYSTROPHY 5. Identifiers: Orphanet 261, MedGen C2751805, MONDO:0013072, OMIM 612999.

Allele frequency attached by ClinVar (database versions not stated): TOPMed 0.00001; ExAC 0.00002; gnomAD 0.00003.
gnomAD v4.1: 30 of 1,614,066 alleles (0.0019%); highest among the groups gnomAD compares: Middle Eastern, 0.033%; no homozygotes.

Submissions (2):

Labcorp Genetics (formerly Invitae), Labcorp
Classification: Uncertain significance for Emery-Dreifuss muscular dystrophy 5, autosomal dominant. Last evaluated: 2024-07-24. Review status: criteria provided, single submitter. Criteria: Invitae Variant Classification Sherloc (09022015). Collection method: clinical testing. Allele origin: germline.
Comment: This sequence change replaces arginine, which is basic and polar, with histidine, which is basic and polar, at codon 3534 of the SYNE2 protein (p.Arg3534His). This variant is present in population databases (rs746769432, gnomAD 0.008%). This variant has not been reported in the literature in individuals affected with SYNE2-related conditions. ClinVar contains an entry for this variant (Variation ID: 2055626). An algorithm developed to predict the effect of missense changes on protein structure and function (PolyPhen-2) suggests that this variant is likely to be disruptive. In summary, the available evidence is currently insufficient to determine the role of this variant in disease. Therefore, it has been classified as a Variant of Uncertain Significance.

Revvity Omics, Revvity
Classification: Uncertain significance for Emery-Dreifuss muscular dystrophy 5, autosomal dominant. Last evaluated: 2024-03-24. Review status: criteria provided, single submitter. Criteria: ACMG Guidelines, 2015. Collection method: clinical testing. Allele origin: germline.

NM_182914.3(SYNE2):c.10601G>A (p.Arg3534His)

Gene: SYNE2 (spectrin repeat containing nuclear envelope protein 2; plus strand). Cytogenetic location: 14q23.2.
Variant type: single nucleotide variant.
Coding change: c.10601G>A on transcript NM_182914.3 (MANE Select); coding-DNA position 10601, G replaced by A.
Protein change: p.Arg3534His; replaces arginine 3534 with histidine.
Molecular consequence: missense variant.
Genome position (GRCh38, 1-based): chr14:64,070,814, G>A. VCF-style: chr14-64070814-G-A. GRCh37 (hg19) VCF-style: chr14-64537532-G-A.
Other names: c.10601G>A, p.Arg3534His (NM_015180.6); c.10601G>A (NM_182914.2); short protein forms R3534H.
Identifiers: ClinVar variation 2055626 (VCV002055626.5), dbSNP rs746769432, ClinGen allele CA7221560.